The following is an entry in ClinVar:

ClinVar aggregate classification (germline): Pathogenic (1 of 4 stars; one submission).

Submission:

Labcorp Genetics (formerly Invitae), Labcorp
Classification: Pathogenic. Last evaluated: 2024-01-18. Review status: criteria provided, single submitter. Criteria: Invitae Variant Classification Sherloc (09022015). Collection method: clinical testing. Allele origin: germline.
Comment: This variant is a gross deletion of the genomic region encompassing exon(s) 2-7 of the TRPM1 gene, which includes the initiator codon. This deletion extends beyond the assayed region for this gene and therefore may encompass additional genes. It is expected to result in an absent or disrupted protein product. Loss-of-function variants in TRPM1 are known to be pathogenic (PMID: 19896113, 19966281, 20300565). A similar copy number variant has been observed in individual(s) with congenital stationary nightblindness (PMID: 19896109, 28726569, 31427709, 31645983). It is commonly reported in individuals of Ashkenazi Jewish ancestry (PMID: 28726569). For these reasons, this variant has been classified as Pathogenic.

Literature cited by the submitters: PubMed 19896113; PubMed 19966281; PubMed 20300565; PubMed 19896109; PubMed 28726569; PubMed 31427709; PubMed 31645983.

NC_000015.9:g.(?_31355301)_(31369124_?)del

Genes: MIR211 (microRNA 211; minus strand), TRPM1 (transient receptor potential cation channel subfamily M member 1; minus strand). Cytogenetic location: 15q13.3.
Variant type: Deletion.
Identifiers: ClinVar variation 1072398 (VCV001072398.6).